The following is an entry in ClinVar:

NM_181458.4(PAX3):c.452-1G>A

Gene: PAX3 (paired box 3; minus strand). Cytogenetic location: 2q36.1.
Variant type: single nucleotide variant.
Coding change: c.452-1G>A on transcript NM_181458.4 (MANE Select); the canonical splice acceptor site of the intron before coding-DNA position 452, G replaced by A.
Molecular consequence: splice acceptor variant.
Genome position (GRCh38, 1-based): chr2:222,294,302, C>T on the plus strand (G>A on the coding strand, the complement: PAX3 is on the minus strand). VCF-style: chr2-222294302-C-T. GRCh37 (hg19) VCF-style: chr2-223159021-C-T.
Other names: c.449-1G>A (NM_001127366.3); c.452-1G>A (NM_181460.4, NM_181461.4, NM_181459.4 and 3 more transcripts).
Identifiers: ClinVar variation 3382706 (VCV003382706.5).

ClinVar aggregate classification (germline): Pathogenic/Likely pathogenic. Review status: criteria provided, multiple submitters, no conflicts (2 of 4 stars). 4 submissions from 4 submitters: Pathogenic (1); Likely pathogenic (3). Last evaluated 2026-04-18.

Conditions:
Waardenburg syndrome type 1 (WS1). Also called: WAARDENBURG SYNDROME WITH DYSTOPIA CANTHORUM; Waardenburg Syndrome Type I. Identifiers: Orphanet 894, MedGen C1847800, MONDO:0008670, OMIM 193500.
Craniofacial-deafness-hand syndrome (CDHS). Identifiers: Orphanet 1529, MedGen C1852510, MONDO:0007395, OMIM 122880.
Alveolar rhabdomyosarcoma (RMS2). Also called: RHABDOMYOSARCOMA 2; Alveolar rhabdomyosarcoma (disease). Identifiers: Orphanet 780, Orphanet 99756, MedGen C0206655, MONDO:0009994, OMIM 268220, HP:0006779.
Waardenburg syndrome type 3 (WS3). Also called: KLEIN-WAARDENBURG SYNDROME; WAARDENBURG SYNDROME WITH UPPER LIMB ANOMALIES; Klein-Waardenberg's syndrome. Identifiers: Orphanet 3440, Orphanet 896, MedGen C0079661, MONDO:0007862, OMIM 148820.
Monogenic hearing loss.

Submissions (4):

GeneDx
Classification: Likely pathogenic. Last evaluated: 2026-04-18. Review status: criteria provided, single submitter. Criteria: GeneDx Variant Classification Process June 2021. Collection method: clinical testing. Allele origin: germline.
Comment: Canonical splice site variant predicted to result in an in-frame loss of the adjacent exon in a gene for which loss of function is a known mechanism of disease; Not observed at significant frequency in large population cohorts (gnomAD); Has not been previously published as pathogenic or benign to our knowledge

Genetics Laboratory, Great Ormond Street Hospital NHS Foundation Trust, North Thames Genomic Laboratory Hub
Classification: Likely pathogenic for Monogenic hearing loss. Last evaluated: 2025-11-10. Review status: criteria provided, single submitter. Criteria: ACGS Best Practice Guidelines for Variant Classification in Rare Disease 2024 v1.2. Collection method: clinical testing. Allele origin: germline. Affected: yes.
Comment: PM2_moderate, PVS1_strong, PS1_supporting, PM6_supporting

Institute of Rare Diseases, West China Hospital, Sichuan University
Classification: Pathogenic for Waardenburg syndrome type 1. Last evaluated: 2025-01-09. Review status: criteria provided, single submitter. Criteria: ClinGen HL ACMG Specifications v1. Collection method: research. Allele origin: germline. Affected: yes.
Comment: PM1;PVS1;PM2_Supporting

Juno Genomics, Hangzhou Juno Genomics, Inc
Classification: Likely pathogenic for Craniofacial-deafness-hand syndrome; Alveolar rhabdomyosarcoma; Waardenburg syndrome type 1; Waardenburg syndrome type 3. Review status: criteria provided, single submitter. Criteria: ACMG Guidelines, 2015. Collection method: clinical testing. Allele origin: germline. Affected: yes.
Comment: Absent from controls (or at extremely low frequency if recessive) in Genome Aggregation Database, Exome Sequencing Project, 1000 Genomes Project, or Exome Aggregation Consortium.;Null variant in a gene where loss of function (LOF) is a known mechanism of disease.;Patient's phenotype or family history is highly specific for a disease with a single genetic etiology.